The following is an entry in ClinVar:

ClinVar aggregate classification (germline): Uncertain significance (1 of 4 stars; one submission).

gnomAD v4.1: 64 of 1,613,106 alleles (0.004%); highest among the groups gnomAD compares: South Asian, 0.043%; no homozygotes.

Submission:

Labcorp Genetics (formerly Invitae), Labcorp
Classification: Uncertain significance. Last evaluated: 2025-10-22. Review status: criteria provided, single submitter. Criteria: Invitae Variant Classification Sherloc (09022015). Collection method: clinical testing. Allele origin: germline.
Comment: This sequence change replaces valine, which is neutral and non-polar, with isoleucine, which is neutral and non-polar, at codon 455 of the NSMF protein (p.Val455Ile). This variant is present in population databases (rs772065502, gnomAD 0.04%). This variant has not been reported in the literature in individuals affected with NSMF-related conditions. ClinVar contains an entry for this variant (Variation ID: 3619390). Invitae Evidence Modeling of protein sequence and biophysical properties (such as structural, functional, and spatial information, amino acid conservation, physicochemical variation, residue mobility, and thermodynamic stability) indicates that this missense variant is not expected to disrupt NSMF protein function with a negative predictive value of 80%. In summary, the available evidence is currently insufficient to determine the role of this variant in disease. Therefore, it has been classified as a Variant of Uncertain Significance.

NM_001130969.3(NSMF):c.1369G>A (p.Val457Ile)

Genes: NSMF (NMDA receptor synaptonuclear signaling and neuronal migration factor; minus strand), LOC126860797 (MED14-independent group 3 enhancer GRCh37_chr9:140343721-140344920; plus strand). Cytogenetic location: 9q34.3.
Variant type: single nucleotide variant.
Coding change: c.1369G>A on transcript NM_001130969.3 (MANE Select); coding-DNA position 1369, G replaced by A.
Protein change: p.Val457Ile; replaces valine 457 with isoleucine.
Molecular consequence: missense variant.
Genome position (GRCh38, 1-based): chr9:137,449,973, C>T on the plus strand (G>A on the coding strand, the complement: NSMF is on the minus strand). VCF-style: chr9-137449973-C-T. GRCh37 (hg19) VCF-style: chr9-140344425-C-T.
Other names: c.1300G>A, p.Val434Ile (NM_001130970.2); c.1294G>A, p.Val432Ile (NM_001130971.2); c.1279G>A, p.Val427Ile (NM_001178064.2); c.1363G>A, p.Val455Ile (NM_015537.5); short protein forms V427I, V432I, V434I, V455I, V457I.
Identifiers: ClinVar variation 3619390 (VCV003619390.2).
Genomic context (GRCh38, chr9:137,449,973, plus strand): 5'-GTCACTGTACCTTCTCTCCATTGGGGTTCCCCAGAATGTAGCAGCCCATGATGTGGATGA[C>T]GTTCGGCTCTGGGTTCACTTTGCTCATCAGGCGGCTCAGCCGCTTCCAGAAGCTGGTGGA-3'
Protein context (NP_001124441.1, residues 447-467): LMSKVNPEPN[Val457Ile]IHIMGCYILG